The following is an entry in ClinVar:

ClinVar aggregate classification (germline): Uncertain significance. Review status: criteria provided, multiple submitters, no conflicts (2 of 4 stars). 2 submissions from 2 submitters: Uncertain significance (2). Last evaluated 2021-08-09.

Conditions:
Ataxia-telangiectasia syndrome (AT). Also called: LOUIS-BAR SYNDROME; Cerebello-oculocutaneous telangiectasia; Immunodeficiency with ataxia telangiectasia; Ataxia-telangiectasia, complementation group D; AT, COMPLEMENTATION GROUP C; Ataxia-telangiectasia, complementation group E. Identifiers: Orphanet 100, MedGen C0004135, MONDO:0008840, OMIM 208900.

Submissions (2):

Labcorp Genetics (formerly Invitae), Labcorp
Classification: Uncertain significance for Ataxia-telangiectasia syndrome. Last evaluated: 2021-08-09. Review status: criteria provided, single submitter. Criteria: Invitae Variant Classification Sherloc (09022015). Collection method: clinical testing. Allele origin: germline.
Comment: In summary, the available evidence is currently insufficient to determine the role of this variant in disease. Therefore, it has been classified as a Variant of Uncertain Significance. Algorithms developed to predict the effect of missense changes on protein structure and function (SIFT, PolyPhen-2, Align-GVGD) all suggest that this variant is likely to be disruptive. ClinVar contains an entry for this variant (Variation ID: 419138). This variant has not been reported in the literature in individuals affected with ATM-related conditions. This variant is not present in population databases (ExAC no frequency). This sequence change replaces lysine with glutamic acid at codon 2756 of the ATM protein (p.Lys2756Glu). The lysine residue is highly conserved and there is a small physicochemical difference between lysine and glutamic acid.

GeneDx
Classification: Uncertain significance. Last evaluated: 2015-05-28. Review status: criteria provided, single submitter. Criteria: GeneDx Variant Classification (06012015). Collection method: clinical testing. Allele origin: germline. Affected: yes.
Comment: This variant is denoted ATM c.8266A>G at the cDNA level, p.Lys2756Glu (K2756E) at the protein level, and results in the change of a Lysine to a Glutamic Acid (AAG>GAG). This variant has not, to our knowledge, been published in the literature as pathogenic or benign. ATM Lys2756Glu was not observed in approximately 6,500 individuals of European and African American ancestry in the NHLBI Exome Sequencing Project, indicating it is not a common benign variant in these populations. Since Lysine and Glutamic Acid differ in polarity, charge, size or other properties, this is considered a non-conservative amino acid substitution. ATM Lys2756Glu occurs at a position that is conserved across species and is locate within the PI3K/PI4K domain. In silico analyses predict that this variant is probably damaging to protein structure and function. Based on currently available information, it is unclear whether ATM Lys2756Glu is pathogenic or benign. We consider it to be a variant of uncertain significance.

NM_000051.4(ATM):c.8266A>G (p.Lys2756Glu)

Genes: ATM (ATM serine/threonine kinase; plus strand), C11orf65 (chromosome 11 open reading frame 65; minus strand). Cytogenetic location: 11q22.3.
Variant type: single nucleotide variant.
Coding change: c.8266A>G on transcript NM_000051.4 (MANE Select); coding-DNA position 8266, A replaced by G.
Protein change: p.Lys2756Glu; replaces lysine 2756 with glutamic acid.
Molecular consequence: missense variant. On other transcripts: intron variant (2).
Genome position (GRCh38, 1-based): chr11:108,335,959, A>G. VCF-style: chr11-108335959-A-G. GRCh37 (hg19) VCF-style: chr11-108206686-A-G.
Other names: c.8266A>G, p.Lys2756Glu (NM_001351834.2); c.641-26888T>C (NM_001330368.2); c.695-667T>C (NM_001351110.2); short protein forms K2756E.
Identifiers: ClinVar variation 419138 (VCV000419138.8), dbSNP rs371638537, ClinGen allele CA16619251.